The following is an entry in ClinVar:

NM_000486.6(AQP2):c.204C>T (p.Asn68=)

Gene: AQP2 (aquaporin 2; plus strand). Cytogenetic location: 12q13.12.
Variant type: single nucleotide variant.
Coding change: c.204C>T on transcript NM_000486.6 (MANE Select); coding-DNA position 204, C replaced by T.
Protein change: p.Asn68=; no amino-acid change (asparagine 68 retained).
Molecular consequence: synonymous variant.
Genome position (GRCh38, 1-based): chr12:49,951,034, C>T. VCF-style: chr12-49951034-C-T. GRCh37 (hg19) VCF-style: chr12-50344817-C-T.
Other names: p.Asn68=.
Identifiers: ClinVar variation 713761 (VCV000713761.18), dbSNP rs57915981, ClinGen allele CA6559168.

ClinVar aggregate classification (germline): Benign/Likely benign. Review status: criteria provided, multiple submitters, no conflicts (2 of 4 stars). 6 submissions from 6 submitters: Benign (4); Likely benign (1). 1 of the submissions does not count toward it. Last evaluated 2026-01-31.

Conditions:
Nephrogenic diabetes insipidus. Identifiers: Orphanet 223, MedGen C0162283, MONDO:0016383, HP:0009806.
Diabetes insipidus, nephrogenic, autosomal (NDI2). Also called: Nephrogenic Diabetes Insipidus, Type II; Diabetes insipidus, nephrogenic, 2, autosomal. Identifiers: Orphanet 223, MedGen C1563706, MONDO:0007451, OMIM 125800.

Allele frequency attached by ClinVar (database versions not stated): gnomAD exomes 0.00077; ExAC 0.00099; TOPMed 0.00308; gnomAD 0.00310 and 0.00332; ESP Exome Variant Server 0.00346; 1000 Genomes Project 0.00379; 1000 Genomes Project 30x 0.00484.

Submissions (6):

Labcorp Genetics (formerly Invitae), Labcorp
Classification: Benign. Last evaluated: 2026-01-31. Review status: criteria provided, single submitter. Criteria: Invitae Variant Classification Sherloc (09022015). Collection method: clinical testing. Allele origin: germline.

Mayo Clinic Laboratories, Mayo Clinic
Classification: Likely benign. Last evaluated: 2025-09-09. Review status: criteria provided, single submitter. Criteria: ACMG Guidelines, 2015. Collection method: clinical testing. Allele origin: germline. Observed: 1 variant allele.
Comment: BS1, BP4, BP7

Genome-Nilou Lab
Classification: Benign for Diabetes insipidus, nephrogenic, autosomal. Last evaluated: 2021-12-05. Review status: criteria provided, single submitter. Criteria: ACMG Guidelines, 2015. Collection method: clinical testing. Allele origin: germline. Affected: no.

Illumina Laboratory Services, Illumina
Classification: Benign for Diabetes insipidus, nephrogenic, autosomal. Last evaluated: 2018-01-13. Review status: criteria provided, single submitter. Criteria: ICSL Variant Classification Criteria 13 December 2019. Collection method: clinical testing. Allele origin: germline.
Comment: This variant was observed in the ICSL laboratory as part of a predisposition screen in an ostensibly healthy population. It had not been previously curated by ICSL or reported in the Human Gene Mutation Database (HGMD: prior to June 1st, 2018), and was therefore a candidate for classification through an automated scoring system. Utilizing variant allele frequency, disease prevalence and penetrance estimates, and inheritance mode, an automated score was calculated to assess if this variant is too frequent to cause the disease. Based on the score and internal cut-off values, a variant classified as benign is not then subjected to further curation. The score for this variant resulted in a classification of benign for this disease.

Breakthrough Genomics
Classification: Benign. Review status: criteria provided, single submitter. Criteria: ACMG Guidelines, 2015. Collection method: not provided. Allele origin: germline. Inheritance: Autosomal dominant inheritance. Affected: yes.

Natera, Inc.
Classification: Likely benign for Nephrogenic diabetes insipidus. Last evaluated: 2019-10-22. Review status: no assertion criteria provided. Collection method: clinical testing. Allele origin: germline. Not counted in ClinVar's aggregate classification.